The following is an entry in ClinVar:

ClinVar aggregate classification (germline): Pathogenic/Likely pathogenic. Review status: criteria provided, multiple submitters, no conflicts (2 of 4 stars). 2 submissions from 2 submitters: Pathogenic (1); Likely pathogenic (1). Last evaluated 2023-10-04.

Conditions:
Hereditary cancer-predisposing syndrome. Also called: Neoplastic Syndromes, Hereditary; Tumor predisposition; Hereditary Cancer Syndrome; Hereditary neoplastic syndrome. Identifiers: Orphanet 140162, MedGen C0027672, MeSH D009386, MONDO:0015356.
Lynch syndrome 4 (LYNCH4). Also called: Colorectal cancer, hereditary nonpolyposis, type 4; Hereditary non-polyposis colorectal cancer, type 4. Identifiers: Orphanet 144, MedGen C1838333, MONDO:0013699, OMIM 614337. Disease mechanism: loss of function.

Submissions (2):

Baylor Genetics
Classification: Likely pathogenic for Lynch syndrome 4. Last evaluated: 2023-10-04. Review status: criteria provided, single submitter. Criteria: ACMG Guidelines, 2015. Collection method: clinical testing. Allele origin: unknown.

Color Diagnostics, LLC DBA Color Health
Classification: Pathogenic for Hereditary cancer-predisposing syndrome. Last evaluated: 2019-07-08. Review status: criteria provided, single submitter. Criteria: ACMG Guidelines, 2015. Collection method: clinical testing. Allele origin: germline.
Comment: This variant deletes 2 nucleotides in exon 11 of the PMS2 gene, creating a frameshift and premature translation stop signal. This variant is expected to result in an absent or non-functional protein product. To our knowledge, functional assays have not been performed for this variant nor has this variant been reported in individuals affected with hereditary cancer in the literature. This variant has not been identified in the general population by the Genome Aggregation Database (gnomAD). Loss of PMS2 function is a known mechanism of disease. Based on available evidence, this variant is classified as Pathogenic.

NM_000535.7(PMS2):c.1418_1419del (p.Glu473fs)

Gene: PMS2 (PMS1 homolog 2, mismatch repair system component; minus strand). Cytogenetic location: 7p22.1.
Variant type: Microsatellite.
Coding change: c.1418_1419del on transcript NM_000535.7 (MANE Select); coding-DNA positions 1418 to 1419, 2 bases deleted (AG; older notation c.1418_1419delAG).
Protein change: p.Glu473fs; shifts the reading frame from glutamic acid 473.
Molecular consequence: frameshift variant. On other transcripts: non-coding transcript variant (1).
Genome position (GRCh38, 1-based): chr7:5,987,346-5,987,347, CT deleted on the plus strand (AG on the coding strand, the reverse complement: PMS2 is on the minus strand); deleting any 2 consecutive bases within chr7:5,987,346-5,987,349 gives the same sequence; the c. name uses the placement nearest the transcript's 3' end. VCF-style (leftmost placement, unchanged base first): chr7-5987345-CCT-C. GRCh37 (hg19) VCF-style: chr7-6026976-CCT-C.
Other names: c.1013_1014del, p.Glu338fs (NM_001322003.2, NM_001322004.2, NM_001322005.2 and 1 more transcripts); c.1262_1263del, p.Glu421fs (NM_001322006.2); c.1100_1101del, p.Glu367fs (NM_001322007.2, NM_001322008.2); c.857_858del, p.Glu286fs (NM_001322010.2); c.485_486del, p.Glu162fs (NM_001322011.2, NM_001322012.2); c.845_846del, p.Glu282fs (NM_001322013.2); c.1418_1419del, p.Glu473fs (NM_001322014.2); c.1109_1110del, p.Glu370fs (NM_001322015.2); short protein forms E370fs, E421fs, E367fs, E162fs, E286fs, E473fs, E282fs, E338fs.
Identifiers: ClinVar variation 918280 (VCV000918280.4), dbSNP rs1783098862, ClinGen allele CA1139659557.
Genomic context (GRCh38, chr7:5,987,345, plus strand): 5'-AGTCCTTCTCCACCTCCGCTCTGTCCGTAGGGTCACTGGGTCCGTGACTGGAACTCACTG[CCT>C]CTTTCTGAGGTCTCAGGACGCCTTTGTCAGAGATGGCACCTGAAGTGCTAGAAGACAGCA-3'